The following is an entry in ClinVar:

ClinVar aggregate classification (germline): Benign/Likely benign. Review status: criteria provided, multiple submitters, no conflicts (2 of 4 stars). 4 submissions from 4 submitters: Benign (2); Likely benign (1). 1 of the submissions does not count toward it. Last evaluated 2026-01-05.

Conditions:
COL1A1-related disorder. Also called: COL1A1- related disease; COL1A1-related condition.
Osteogenesis imperfecta type I (OI1). Also called: OSTEOGENESIS IMPERFECTA WITH BLUE SCLERAE; Osteogenesis imperfecta type 1; Lobstein's Disease; OI, TYPE I; OSTEOGENESIS IMPERFECTA TARDA; Classic Non-deforming Osteogenesis Imperfecta with Blue Sclerae. Identifiers: Orphanet 216796, Orphanet 666, MedGen C0023931, MONDO:0008146, OMIM 166200. Disease mechanism: loss of function.

Allele frequency attached by ClinVar (database versions not stated): gnomAD exomes 0.00011; ExAC 0.00014; ESP Exome Variant Server 0.00038; TOPMed 0.00039; gnomAD 0.00041 and 0.00043; 1000 Genomes Project 0.00060; 1000 Genomes Project 30x 0.00078.
gnomAD v4.1: 99 of 1,611,952 alleles (0.0061%); highest among the groups gnomAD compares: African/African-American, 0.11%; no homozygotes.

Submissions (4):

Women's Health and Genetics/Laboratory Corporation of America, LabCorp
Classification: Benign. Last evaluated: 2026-01-05. Review status: criteria provided, single submitter. Criteria: LabCorp Variant Classification Summary - May 2015. Collection method: clinical testing. Allele origin: germline.

Labcorp Genetics (formerly Invitae), Labcorp
Classification: Benign for Osteogenesis imperfecta type I. Last evaluated: 2025-06-13. Review status: criteria provided, single submitter. Criteria: Invitae Variant Classification Sherloc (09022015). Collection method: clinical testing. Allele origin: germline.

GeneDx
Classification: Likely benign. Last evaluated: 2020-11-11. Review status: criteria provided, single submitter. Criteria: GeneDx Variant Classification Process June 2021. Collection method: clinical testing. Allele origin: germline. Affected: yes.

PreventionGenetics, part of Exact Sciences
Classification: Likely benign for COL1A1-related condition. Last evaluated: 2019-11-27. Review status: no assertion criteria provided. Collection method: clinical testing. Allele origin: germline. Not counted in ClinVar's aggregate classification.
Comment: This variant is classified as likely benign based on ACMG/AMP sequence variant interpretation guidelines (Richards et al. 2015 PMID: 25741868, with internal and published modifications).

NM_000088.4(COL1A1):c.1984-7C>G

Gene: COL1A1 (collagen type I alpha 1 chain; minus strand). Cytogenetic location: 17q21.33.
Variant type: single nucleotide variant.
Coding change: c.1984-7C>G on transcript NM_000088.4 (MANE Select); 7 bases into the intron before coding-DNA position 1984, C replaced by G.
Molecular consequence: intron variant.
Genome position (GRCh38, 1-based): chr17:50,192,031, G>C on the plus strand (C>G on the coding strand, the complement: COL1A1 is on the minus strand). VCF-style: chr17-50192031-G-C. GRCh37 (hg19) VCF-style: chr17-48269392-G-C.
Identifiers: ClinVar variation 514659 (VCV000514659.15), dbSNP rs376886366, ClinGen allele CA8644975.